The following is an entry in ClinVar:

ClinVar aggregate classification (germline): Uncertain significance. Review status: criteria provided, multiple submitters, no conflicts (2 of 4 stars). 2 submissions from 2 submitters: Uncertain significance (2). Last evaluated 2025-10-28.

Conditions:
DICER1-related tumor predisposition. Also called: DICER1 syndrome; DICER1-related pleuropulmonary blastoma cancer predisposition syndrome. Identifiers: Orphanet 284343, MedGen C3839822, MONDO:0100216.
Hereditary cancer-predisposing syndrome. Also called: Hereditary neoplastic syndrome; Neoplastic Syndromes, Hereditary; Tumor predisposition; Hereditary Cancer Syndrome. Identifiers: Orphanet 140162, MedGen C0027672, MeSH D009386, MONDO:0015356.

Submissions (2):

Ambry Genetics
Classification: Uncertain significance for Hereditary cancer-predisposing syndrome. Last evaluated: 2025-10-28. Review status: criteria provided, single submitter. Criteria: Ambry Variant Classification Scheme 2023. Collection method: clinical testing. Allele origin: germline.
Comment: The p.G1187S variant (also known as c.3559G>A), located in coding exon 20 of the DICER1 gene, results from a G to A substitution at nucleotide position 3559. The glycine at codon 1187 is replaced by serine, an amino acid with similar properties. This amino acid position is well conserved in available vertebrate species. In addition, the in silico prediction for this alteration is inconclusive. Based on the available evidence, the clinical significance of this variant remains unclear.

Labcorp Genetics (formerly Invitae), Labcorp
Classification: Uncertain significance for DICER1-related tumor predisposition. Last evaluated: 2024-07-15. Review status: criteria provided, single submitter. Criteria: Invitae Variant Classification Sherloc (09022015). Collection method: clinical testing. Allele origin: germline.
Comment: This sequence change replaces glycine, which is neutral and non-polar, with serine, which is neutral and polar, at codon 1187 of the DICER1 protein (p.Gly1187Ser). This variant is not present in population databases (gnomAD no frequency). This variant has not been reported in the literature in individuals affected with DICER1-related conditions. ClinVar contains an entry for this variant (Variation ID: 1022125). Advanced modeling of protein sequence and biophysical properties (such as structural, functional, and spatial information, amino acid conservation, physicochemical variation, residue mobility, and thermodynamic stability) performed at Invitae indicates that this missense variant is not expected to disrupt DICER1 protein function with a negative predictive value of 80%. In summary, the available evidence is currently insufficient to determine the role of this variant in disease. Therefore, it has been classified as a Variant of Uncertain Significance.

NM_177438.3(DICER1):c.3559G>A (p.Gly1187Ser)

Gene: DICER1 (dicer 1, ribonuclease III; minus strand). Cytogenetic location: 14q32.13.
Variant type: single nucleotide variant.
Coding change: c.3559G>A on transcript NM_177438.3 (MANE Select); coding-DNA position 3559, G replaced by A.
Protein change: p.Gly1187Ser; replaces glycine 1187 with serine.
Molecular consequence: missense variant.
Genome position (GRCh38, 1-based): chr14:95,103,837, C>T on the plus strand (G>A on the coding strand, the complement: DICER1 is on the minus strand). VCF-style: chr14-95103837-C-T. GRCh37 (hg19) VCF-style: chr14-95570174-C-T.
Other names: c.3559G>A, p.Gly1187Ser (NM_001195573.1, NM_001271282.3, NM_001291628.2 and 1 more transcripts); short protein forms G1187S.
Identifiers: ClinVar variation 1022125 (VCV001022125.14), dbSNP rs1891142121, ClinGen allele CA390874929.